The following is an entry in ClinVar:

ClinVar aggregate classification (germline): Uncertain significance (1 of 4 stars; one submission).

Submission:

GeneDx
Classification: Uncertain significance. Last evaluated: 2019-10-15. Review status: criteria provided, single submitter. Criteria: GeneDx Variant Classification Process June 2021. Collection method: clinical testing. Allele origin: germline. Affected: yes.
Comment: Not observed in large population cohorts (Lek et al., 2016); In silico analysis, which includes protein predictors and evolutionary conservation, supports a deleterious effect; Has not been previously published as pathogenic or benign to our knowledge

NM_000523.4(HOXD13):c.859C>A (p.Gln287Lys)

Gene: HOXD13 (homeobox D13; plus strand). Cytogenetic location: 2q31.1.
Variant type: single nucleotide variant.
Coding change: c.859C>A on transcript NM_000523.4 (MANE Select); coding-DNA position 859, C replaced by A.
Protein change: p.Gln287Lys; replaces glutamine 287 with lysine.
Molecular consequence: missense variant.
Genome position (GRCh38, 1-based): chr2:176,094,557, C>A. VCF-style: chr2-176094557-C-A. GRCh37 (hg19) VCF-style: chr2-176959285-C-A.
Other names: short protein forms Q287K.
Identifiers: ClinVar variation 1309525 (VCV001309525.2), dbSNP rs2105379819, ClinGen allele CA349353665.